The following is an entry in ClinVar:

ClinVar aggregate classification (germline): Likely benign (1 of 4 stars; one submission).

Conditions:
Amish lethal microcephaly (MCPHA). Also called: THIAMINE METABOLISM DYSFUNCTION SYNDROME 3 (MICROCEPHALY TYPE); MICROCEPHALY, AMISH TYPE. Identifiers: Orphanet 99742, MedGen C1846648, MONDO:0011790, OMIM 607196.

Allele frequency attached by ClinVar (database versions not stated): gnomAD 0.00051 and 0.00052; TOPMed 0.00065; 1000 Genomes Project 0.00080; 1000 Genomes Project 30x 0.00094.

Submission:

Illumina Laboratory Services, Illumina
Classification: Likely benign for Amish lethal microcephaly. Last evaluated: 2018-01-13. Review status: criteria provided, single submitter. Criteria: ICSL Variant Classification Criteria 13 December 2019. Collection method: clinical testing. Allele origin: germline.
Comment: This variant was observed in the ICSL laboratory as part of a predisposition screen in an ostensibly healthy population. It had not been previously curated by ICSL or reported in the Human Gene Mutation Database (HGMD: prior to June 1st, 2018), and was therefore a candidate for classification through an automated scoring system. Utilizing variant allele frequency, disease prevalence and penetrance estimates, and inheritance mode, an automated score was calculated to assess if this variant is too frequent to cause the disease. Based on the score and internal cut-off values, a variant classified as likely benign is not then subjected to further curation. The score for this variant resulted in a classification of likely benign for this disease.

NM_001126121.2(SLC25A19):c.*301C>T

Genes: MIF4GD-DT (MIF4GD divergent transcript; plus strand), SLC25A19 (solute carrier family 25 member 19; minus strand). Cytogenetic location: 17q25.1.
Variant type: single nucleotide variant.
Coding change: c.*301C>T on transcript NM_001126121.2 (MANE Select); 301 bases downstream of the stop codon, C replaced by T.
Molecular consequence: 3 prime UTR variant. On other transcripts: non-coding transcript variant (1).
Genome position (GRCh38, 1-based): chr17:75,273,150, G>A on the plus strand (C>T on the coding strand, the complement: SLC25A19 is on the minus strand). VCF-style: chr17-75273150-G-A. GRCh37 (hg19) VCF-style: chr17-73269231-G-A.
Other names: c.*301C>T (NM_001126122.2, NM_021734.5).
Identifiers: ClinVar variation 889456 (VCV000889456.4), dbSNP rs543638381, ClinGen allele CA293996283.